The following is an entry in ClinVar:

ClinVar aggregate classification (germline): Benign/Likely benign. Review status: criteria provided, multiple submitters, no conflicts (2 of 4 stars). 6 submissions from 6 submitters: Benign (1); Likely benign (5). Last evaluated 2026-01-19.

Conditions:
Congenital disorder of glycosylation type Ir (CDG1R). Also called: DDOST-congenital disorder of glycosylation. Identifiers: Orphanet 300536, MedGen C3281084, MONDO:0013789, OMIM 614507.

Allele frequency attached by ClinVar (database versions not stated): 1000 Genomes Project 0.00060; 1000 Genomes Project 30x 0.00062; ESP Exome Variant Server 0.00077; gnomAD 0.00099; TOPMed 0.00133; ExAC 0.00135.
gnomAD v4.1: 1,873 of 1,554,558 alleles (0.12%); highest among the groups gnomAD compares: Middle Eastern, 2.5%; 9 homozygotes.

Submissions (6):

Labcorp Genetics (formerly Invitae), Labcorp
Classification: Likely benign for Congenital disorder of glycosylation type Ir. Last evaluated: 2026-01-19. Review status: criteria provided, single submitter. Criteria: Invitae Variant Classification Sherloc (09022015). Collection method: clinical testing. Allele origin: germline.

Blueprint Genetics
Classification: Likely benign. Last evaluated: 2024-11-22. Review status: criteria provided, single submitter. Criteria: ACMG Guidelines, 2015. Collection method: clinical testing. Allele origin: germline.

CeGaT Center for Human Genetics Tuebingen
Classification: Likely benign. Last evaluated: 2024-08-01. Review status: criteria provided, single submitter. Criteria: CeGaT Center For Human Genetics Tuebingen Variant Classification Criteria Version 2. Collection method: clinical testing. Allele origin: germline. Affected: yes. Observed: 3 variant alleles.
Comment: DDOST: BP4, BP7

GeneDx
Classification: Likely benign. Last evaluated: 2017-12-15. Review status: criteria provided, single submitter. Criteria: GeneDx Variant Classification (06012015). Collection method: clinical testing. Allele origin: germline. Affected: yes.
Comment: This variant is considered likely benign or benign based on one or more of the following criteria: it is a conservative change, it occurs at a poorly conserved position in the protein, it is predicted to be benign by multiple in silico algorithms, and/or has population frequency not consistent with disease.

Eurofins Ntd Llc (ga)
Classification: Benign. Last evaluated: 2013-10-08. Review status: criteria provided, single submitter. Criteria: EGL Classification Definitions 2015. Collection method: clinical testing. Allele origin: germline. Observed: 2 variant alleles, 2 heterozygotes.

Breakthrough Genomics
Classification: Likely benign. Review status: criteria provided, single submitter. Criteria: ACMG Guidelines, 2015. Collection method: not provided. Allele origin: germline. Inheritance: Autosomal recessive inheritance. Affected: yes.

NM_005216.5(DDOST):c.711C>T (p.Arg237=)

Gene: DDOST (dolichyl-diphosphooligosaccharide--protein glycosyltransferase non-catalytic subunit; minus strand). Cytogenetic location: 1p36.12.
Variant type: single nucleotide variant.
Coding change: c.711C>T on transcript NM_005216.5 (MANE Select); coding-DNA position 711, C replaced by T.
Protein change: p.Arg237=; no amino-acid change (arginine 237 retained).
Molecular consequence: synonymous variant.
Genome position (GRCh38, 1-based): chr1:20,654,306, G>A on the plus strand (C>T on the coding strand, the complement: DDOST is on the minus strand). VCF-style: chr1-20654306-G-A. GRCh37 (hg19) VCF-style: chr1-20980799-G-A.
Identifiers: ClinVar variation 95262 (VCV000095262.41), dbSNP rs34189097, ClinGen allele CA148363.